The following is an entry in ClinVar:

NM_001244008.2(KIF1A):c.3968T>C (p.Ile1323Thr)

Gene: KIF1A (kinesin family member 1A; minus strand). Cytogenetic location: 2q37.3.
Variant type: single nucleotide variant.
Coding change: c.3968T>C on transcript NM_001244008.2 (MANE Select); coding-DNA position 3968, T replaced by C.
Protein change: p.Ile1323Thr; replaces isoleucine 1323 with threonine.
Molecular consequence: missense variant.
Genome position (GRCh38, 1-based): chr2:240,737,102, A>G on the plus strand (T>C on the coding strand, the complement: KIF1A is on the minus strand). VCF-style: chr2-240737102-A-G. GRCh37 (hg19) VCF-style: chr2-241676519-A-G.
Other names: c.3692T>C, p.Ile1231Thr (NM_001320705.2, NM_001330289.2, NM_001379638.1); c.3767T>C, p.Ile1256Thr (NM_001330290.2, NM_001379634.1, NM_001379635.1 and 1 more transcripts); c.4043T>C, p.Ile1348Thr (NM_001379631.1); c.3917T>C, p.Ile1306Thr (NM_001379632.1); c.3941T>C, p.Ile1314Thr (NM_001379633.1, NM_001379642.1, NM_001379645.1); c.3779T>C, p.Ile1260Thr (NM_001379636.1); c.3740T>C, p.Ile1247Thr (NM_001379637.1, NM_001379648.1); c.3665T>C, p.Ile1222Thr (NM_001379639.1, NM_001379641.1, NM_001379649.1 and 5 more transcripts); and 1 more; short protein forms I1222T, I1247T, I1221T, I1231T, I1256T, I1260T, I1314T, I1306T.
Identifiers: ClinVar variation 2038621 (VCV002038621.4), dbSNP rs775566341, ClinGen allele CA351312625.

ClinVar aggregate classification (germline): Uncertain significance (1 of 4 stars; one submission).

Conditions:
Hereditary spastic paraplegia 30. Identifiers: Orphanet 101010, MedGen C5235139, MONDO:0012476.
Neuropathy, hereditary sensory, type 2C. Also called: Hereditary sensory and autonomic neuropathy type IIC; KIF1A-Related HSAN2 (HSAN2C). Identifiers: Orphanet 970, MedGen C3280168, MONDO:0013634, OMIM 614213.
Intellectual disability, autosomal dominant 9 (NESCAVS). Also called: NESCAV SYNDROME; KIF1A-Related Neurodevelopmental Disorder. Identifiers: Orphanet 662367, MedGen C5393830, MONDO:0013656, OMIM 614255.

Allele frequency attached by ClinVar (database versions not stated): TOPMed below 0.00001.
gnomAD v4.1: 1 of 1,613,558 alleles (0.000062%); highest among the groups gnomAD compares: Non-Finnish European, 0.000085%; no homozygotes.

Submission:

Labcorp Genetics (formerly Invitae), Labcorp
Classification: Uncertain significance for Hereditary spastic paraplegia 30; Neuropathy, hereditary sensory, type 2C; Intellectual disability, autosomal dominant 9. Last evaluated: 2024-08-27. Review status: criteria provided, single submitter. Criteria: Invitae Variant Classification Sherloc (09022015). Collection method: clinical testing. Allele origin: germline.
Comment: This sequence change replaces isoleucine, which is neutral and non-polar, with threonine, which is neutral and polar, at codon 1222 of the KIF1A protein (p.Ile1222Thr). This variant is not present in population databases (gnomAD no frequency). This variant has not been reported in the literature in individuals affected with KIF1A-related conditions. ClinVar contains an entry for this variant (Variation ID: 2038621). Invitae Evidence Modeling of protein sequence and biophysical properties (such as structural, functional, and spatial information, amino acid conservation, physicochemical variation, residue mobility, and thermodynamic stability) indicates that this missense variant is not expected to disrupt KIF1A protein function with a negative predictive value of 95%. In summary, the available evidence is currently insufficient to determine the role of this variant in disease. Therefore, it has been classified as a Variant of Uncertain Significance.